The following is an entry in ClinVar:

NM_018062.4(FANCL):c.156-3T>G

Gene: FANCL (FA complementation group L; minus strand). Cytogenetic location: 2p16.1.
Variant type: single nucleotide variant.
Coding change: c.156-3T>G on transcript NM_018062.4 (MANE Select); 3 bases into the intron before coding-DNA position 156, T replaced by G.
Molecular consequence: intron variant.
Genome position (GRCh38, 1-based): chr2:58,229,877, A>C on the plus strand (T>G on the coding strand, the complement: FANCL is on the minus strand). VCF-style: chr2-58229877-A-C. GRCh37 (hg19) VCF-style: chr2-58457012-A-C.
Other names: c.156-3T>G (NM_001374615.1, NM_001114636.2, NM_001410792.1).
Identifiers: ClinVar variation 1991468 (VCV001991468.3), dbSNP rs532375787, ClinGen allele CA2580067526.

ClinVar aggregate classification (germline): Uncertain significance (1 of 4 stars; one submission).

Conditions:
Fanconi anemia (FA). Also called: Fanconi's anemia. Identifiers: Orphanet 84, MedGen C0015625, MeSH D005199, MONDO:0019391.

Submission:

Labcorp Genetics (formerly Invitae), Labcorp
Classification: Uncertain significance for Fanconi anemia. Last evaluated: 2023-10-04. Review status: criteria provided, single submitter. Criteria: Invitae Variant Classification Sherloc (09022015). Collection method: clinical testing. Allele origin: germline.
Comment: This sequence change falls in intron 2 of the FANCL gene. It does not directly change the encoded amino acid sequence of the FANCL protein. It affects a nucleotide within the consensus splice site. This variant is not present in population databases (gnomAD no frequency). This variant has not been reported in the literature in individuals affected with FANCL-related conditions. ClinVar contains an entry for this variant (Variation ID: 1991468). Variants that disrupt the consensus splice site are a relatively common cause of aberrant splicing (PMID: 17576681, 9536098). Algorithms developed to predict the effect of sequence changes on RNA splicing suggest that this variant may disrupt the consensus splice site. In summary, the available evidence is currently insufficient to determine the role of this variant in disease. Therefore, it has been classified as a Variant of Uncertain Significance.

Literature cited by the submitters: PubMed 17576681; PubMed 9536098.